The following is an entry in ClinVar:

NM_001283009.2(RTEL1):c.1681C>T (p.Pro561Ser)

Genes: RTEL1 (regulator of telomere elongation helicase 1; plus strand), RTEL1-TNFRSF6B (RTEL1-TNFRSF6B readthrough (NMD candidate); plus strand). Cytogenetic location: 20q13.33.
Variant type: single nucleotide variant.
Coding change: c.1681C>T on transcript NM_001283009.2 (MANE Select); coding-DNA position 1681, C replaced by T.
Protein change: p.Pro561Ser; replaces proline 561 with serine.
Molecular consequence: missense variant. On other transcripts: non-coding transcript variant (1).
Genome position (GRCh38, 1-based): chr20:63,688,345, C>T. VCF-style: chr20-63688345-C-T. GRCh37 (hg19) VCF-style: chr20-62319698-C-T.
Other names: c.1012C>T, p.Pro338Ser (NM_001283010.1); c.1681C>T, p.Pro561Ser (NM_016434.4); c.1753C>T, p.Pro585Ser (NM_032957.5); short protein forms P561S, P338S, P585S.
Identifiers: ClinVar variation 5028471 (VCV005028471.1).
Genomic context (GRCh38, chr20:63,688,345, plus strand): 5'-GCCCCTGCACTTCCAGGCAACATCGCCCGCGTGGTGCCCTATGGGCTCCTGATCTTCTTC[C>T]CTTCCTATCCTGTCATGGAGAAGAGCCTGGAGTTCTGGCGGGTGCGTCTCCCCTGTGTTC-3'
Protein context (NP_001269938.1, residues 551-571): VVPYGLLIFF[Pro561Ser]SYPVMEKSLE

ClinVar aggregate classification (germline): Uncertain significance (1 of 4 stars; one submission).

Conditions:
Inborn genetic diseases. Identifiers: MedGen C0950123, MeSH D030342.

Submission:

Ambry Genetics
Classification: Uncertain significance for Inborn genetic diseases. Last evaluated: 2026-07-01. Review status: criteria provided, single submitter. Criteria: Ambry Variant Classification Scheme 2023. Collection method: clinical testing. Allele origin: germline.
Comment: The p.P561S variant (also known as c.1681C>T), located in coding exon 19 of the RTEL1 gene, results from a C to T substitution at nucleotide position 1681. The proline at codon 561 is replaced by serine, an amino acid with similar properties. This amino acid position is conserved. In addition, the in silico prediction for this alteration is inconclusive. Based on the available evidence, the clinical significance of this variant remains unclear.